The following is an entry in ClinVar:

ClinVar aggregate classification (germline): Pathogenic (0 of 4 stars; one submission).

Conditions:
Malignant tumor of breast. Also called: Malignant breast neoplasm; Cancer breast. Identifiers: MedGen C0006142, MONDO:0007254. Disease mechanism: loss of function.

Submission:

Department of Pathology and Laboratory Medicine, Sinai Health System
Classification: Pathogenic for Malignant tumor of breast. Review status: no assertion criteria provided. Collection method: clinical testing. Allele origin: unknown. Affected: yes. Study: The Canadian Open Genetics Repository (COGR).
Comment: The c.4186-?_5193+?del variant results in a deletion of exons 13-19, although the precise breakpoints of this deletion were not determined, nor were the effects of this variant on the resulting mRNA or protein product determined. The variant was identified in 2 of 1442 proband chromosomes (frequency: 0.001) from individuals or families with breast or ovarian cancer (Rudnicka 2013, Ticha 2010); but was not identified in any databases searched, including the dbSNP, HGMD, LOVD, COSMIC, UMD, ClinVar, or BIC databases. RNA analysis done by Rudnicka (2013) of a patient with a deletion of exons 13-19 also showed a mutated RNA transcript. Ticha (2010) notes that although this is an in-frame deletion, the deleted region comprises a substantial part of the functional BRCT domain and is probably pathogenic. In summary, based on the above information, this variant meets our laboratoryâ€šÃ„Ã´s criteria to be classified as pathogenic.

NM_007294.4(BRCA1):c.5075-390_5193+2del

Gene: BRCA1 (BRCA1 DNA repair associated; minus strand). Cytogenetic location: 17q21.31.
Variant type: Deletion.
Coding change: c.5075-390_5193+2del on transcript NM_007294.4 (MANE Select); 390 bases into the intron before coding-DNA position 5075 through the canonical splice donor site of the intron after coding-DNA position 5193, 1,011 bases deleted.
Molecular consequence: splice acceptor variant, splice donor variant.
Genome position (GRCh38, 1-based): chr17:43,063,331-43,064,341, 1,011 bases deleted. GRCh37 (hg19): chr17:41,215,349-41,216,359.
Other names: c.4934-390_5052+2del (NM_001407728.1, NM_001407692.1, NM_001407729.1 and 13 more transcripts); c.4931-390_5049+2del (NM_001407746.1, NM_001407738.1, NM_001407747.1 and 21 more transcripts); c.1622-390_1740+2del (NM_001408461.1, NM_001408458.1, NM_001408464.1 and 7 more transcripts); c.4184-390_4302+2del (NM_001407967.1); c.4694-390_4812+2del (NM_001407959.1); c.4865-390_4983+2del (NM_001407886.1, NM_001407885.1, NM_001407884.1 and 5 more transcripts); c.4946-390_5064+2del (NM_001407686.1, NM_001407689.1, NM_001407682.1 and 6 more transcripts); c.4808-390_4926+2del (NM_001407931.1, NM_001407932.1, NM_001407928.1 and 4 more transcripts); and 73 more.
Identifiers: ClinVar variation 1048829 (VCV001048829.2), ClinGen allele CA2499224373.